The following is an entry in ClinVar:

ClinVar aggregate classification (germline): Uncertain significance (0 of 4 stars; one submission).

Conditions:
UCP3-related disorder. Also called: UCP3-related condition.

gnomAD v4.1: 87 of 1,598,616 alleles (0.0054%); highest among the groups gnomAD compares: Non-Finnish European, 0.0063%; no homozygotes.

Submission:

PreventionGenetics, part of Exact Sciences
Classification: Uncertain significance for UCP3-related condition. Last evaluated: 2024-08-02. Review status: no assertion criteria provided. Collection method: clinical testing. Allele origin: germline.
Comment: The UCP3 c.175C>T variant is predicted to result in the amino acid substitution p.Arg59Cys. To our knowledge, this variant has not been reported in the literature. This variant is reported in 0.0052% of alleles in individuals of European (Finnish) descent in gnomAD. At this time, the clinical significance of this variant is uncertain due to the absence of conclusive functional and genetic evidence.

NM_003356.4(UCP3):c.175C>T (p.Arg59Cys)

Gene: UCP3 (uncoupling protein 3; minus strand). Cytogenetic location: 11q13.4.
Variant type: single nucleotide variant.
Coding change: c.175C>T on transcript NM_003356.4 (MANE Select); coding-DNA position 175, C replaced by T.
Protein change: p.Arg59Cys; replaces arginine 59 with cysteine.
Molecular consequence: missense variant.
Genome position (GRCh38, 1-based): chr11:74,006,331, G>A on the plus strand (C>T on the coding strand, the complement: UCP3 is on the minus strand). VCF-style: chr11-74006331-G-A. GRCh37 (hg19) VCF-style: chr11-73717376-G-A.
Other names: c.175C>T, p.Arg59Cys (NM_022803.3); short protein forms R59C.
Identifiers: ClinVar variation 3354114 (VCV003354114.1).